The following is an entry in ClinVar:

ClinVar aggregate classification (germline): Uncertain significance. Review status: criteria provided, multiple submitters, no conflicts (2 of 4 stars). 2 submissions from 2 submitters: Uncertain significance (2). Last evaluated 2026-04-01.

Conditions:
Lethal congenital contracture syndrome 11 (LCCS11). Identifiers: MedGen C4310670, MONDO:0014965, OMIM 617194.

gnomAD v4.1: 95 of 1,613,012 alleles (0.0059%); highest among the groups gnomAD compares: Non-Finnish European, 0.0075%; no homozygotes.

Submissions (2):

Department of Genetics, Sultan Qaboos University Hospital
Classification: Uncertain significance for Lethal congenital contracture syndrome 11. Last evaluated: 2026-04-01. Review status: criteria provided, single submitter. Criteria: ACMG Guidelines, 2015. Collection method: clinical testing. Allele origin: germline. Affected: yes. Observed: 1 variant allele.
Comment: PM2_Supporting, PM3_Strong

GeneDx
Classification: Uncertain significance. Last evaluated: 2024-05-30. Review status: criteria provided, single submitter. Criteria: GeneDx Variant Classification Process June 2021. Collection method: clinical testing. Allele origin: germline. Affected: yes.
Comment: In silico analysis indicates that this missense variant does not alter protein structure/function; This variant is associated with the following publications: (PMID: 35806855, 33820833)

NM_181789.4(GLDN):c.1241G>A (p.Arg414Gln)

Gene: GLDN (gliomedin; plus strand). Cytogenetic location: 15q21.2.
Variant type: single nucleotide variant.
Coding change: c.1241G>A on transcript NM_181789.4 (MANE Select); coding-DNA position 1241, G replaced by A.
Protein change: p.Arg414Gln; replaces arginine 414 with glutamine.
Molecular consequence: missense variant.
Genome position (GRCh38, 1-based): chr15:51,404,339, G>A. VCF-style: chr15-51404339-G-A. GRCh37 (hg19) VCF-style: chr15-51696536-G-A.
Other names: c.869G>A, p.Arg290Gln (NM_001330297.2); short protein forms R290Q, R414Q.
Identifiers: ClinVar variation 3383501 (VCV003383501.2).